The following is an entry in ClinVar:

ClinVar aggregate classification (germline): Uncertain significance (1 of 4 stars; one submission).

Conditions:
Creatine transporter deficiency (CCDS1). Also called: CEREBRAL CREATINE DEFICIENCY SYNDROME 1; Creatine Transporter (CRTR) Deficiency; Mental retardation , X-linked with seizures, short stature and midface hypoplasia; Mental retardation , X-linked, with creatine transport deficiency; X-linked creatine transporter deficiency; X-linked creatine deficiency syndrome. Identifiers: Orphanet 52503, MedGen C1845862, MONDO:0010305, OMIM 300352.

Submission:

Labcorp Genetics (formerly Invitae), Labcorp
Classification: Uncertain significance for Creatine transporter deficiency. Last evaluated: 2022-10-13. Review status: criteria provided, single submitter. Criteria: Invitae Variant Classification Sherloc (09022015). Collection method: clinical testing. Allele origin: germline.
Comment: This sequence change falls in intron 10 of the SLC6A8 gene. It does not directly change the encoded amino acid sequence of the SLC6A8 protein. It affects a nucleotide within the consensus splice site. This variant is not present in population databases (gnomAD no frequency). This variant has not been reported in the literature in individuals affected with SLC6A8-related conditions. Variants that disrupt the consensus splice site are a relatively common cause of aberrant splicing (PMID: 17576681, 9536098). Algorithms developed to predict the effect of sequence changes on RNA splicing suggest that this variant is not likely to affect RNA splicing. In summary, the available evidence is currently insufficient to determine the role of this variant in disease. Therefore, it has been classified as a Variant of Uncertain Significance.

Literature cited by the submitters: PubMed 17576681; PubMed 9536098.

NM_005629.4(SLC6A8):c.1495+4G>A

Gene: SLC6A8 (solute carrier family 6 member 8; plus strand). Cytogenetic location: Xq28.
Variant type: single nucleotide variant.
Coding change: c.1495+4G>A on transcript NM_005629.4 (MANE Select); 4 bases into the intron after coding-DNA position 1495, G replaced by A.
Molecular consequence: intron variant.
Genome position (GRCh38, 1-based): chrX:153,694,450, G>A. VCF-style: chrX-153694450-G-A. GRCh37 (hg19) VCF-style: chrX-152959905-G-A.
Other names: c.1465+4G>A (NM_001142805.2); c.1150+4G>A (NM_001142806.1).
Identifiers: ClinVar variation 2077183 (VCV002077183.1), dbSNP rs2522167778, ClinGen allele CA2580101798.